The following is an entry in ClinVar:

NM_017763.6(RNF43):c.852G>T (p.Glu284Asp)

Gene: RNF43 (ring finger protein 43; minus strand). Cytogenetic location: 17q22.
Variant type: single nucleotide variant.
Coding change: c.852G>T on transcript NM_017763.6 (MANE Select); coding-DNA position 852, G replaced by T.
Protein change: p.Glu284Asp; replaces glutamic acid 284 with aspartic acid.
Molecular consequence: missense variant.
Genome position (GRCh38, 1-based): chr17:58,360,249, C>A on the plus strand (G>T on the coding strand, the complement: RNF43 is on the minus strand). VCF-style: chr17-58360249-C-A. GRCh37 (hg19) VCF-style: chr17-56437610-C-A.
Other names: c.852G>T, p.Glu284Asp (NM_001305544.3); c.471G>T, p.Glu157Asp (NM_001305545.2); short protein forms E157D, E284D.
Identifiers: ClinVar variation 1002847 (VCV001002847.8), dbSNP rs1972804589, ClinGen allele CA400333613.

ClinVar aggregate classification (germline): Uncertain significance (1 of 4 stars; one submission).

Submission:

Labcorp Genetics (formerly Invitae), Labcorp
Classification: Uncertain significance. Last evaluated: 2020-09-24. Review status: criteria provided, single submitter. Criteria: Invitae Variant Classification Sherloc (09022015). Collection method: clinical testing. Allele origin: germline.
Comment: Algorithms developed to predict the effect of missense changes on protein structure and function are either unavailable or do not agree on the potential impact of this missense change (SIFT: "Tolerated"; PolyPhen-2: "Possibly Damaging"; Align-GVGD: "Class C0"). In summary, the available evidence is currently insufficient to determine the role of this variant in disease. Therefore, it has been classified as a Variant of Uncertain Significance. This variant has not been reported in the literature in individuals with RNF43-related conditions. This variant is not present in population databases (ExAC no frequency). This sequence change replaces glutamic acid with aspartic acid at codon 284 of the RNF43 protein (p.Glu284Asp). The glutamic acid residue is highly conserved and there is a small physicochemical difference between glutamic acid and aspartic acid.